The following is an entry in ClinVar:

ClinVar aggregate classification (germline): Likely benign. Review status: criteria provided, multiple submitters, no conflicts (2 of 4 stars). 5 submissions from 4 submitters: Likely benign (5). Last evaluated 2025-12-30.

Conditions:
Adams-Oliver syndrome 5 (AOS5). Identifiers: Orphanet 974, MedGen C4014970, MONDO:0014459, OMIM 616028.
Familial thoracic aortic aneurysm and aortic dissection (TAAD). Also called: Thoracic aortic aneurysms and dissections. Identifiers: Orphanet 91387, MedGen C4707243, MONDO:0019625.
Aortic valve disease 1 (AOVD1). Identifiers: MedGen C3887892, MONDO:0024523, OMIM 109730.

Allele frequency attached by ClinVar (database versions not stated): TOPMed below 0.00001; gnomAD exomes below 0.00001.

Submissions (5):

Ambry Genetics
Classification: Likely benign for Familial thoracic aortic aneurysm and aortic dissection. Last evaluated: 2025-12-30. Review status: criteria provided, single submitter. Criteria: Ambry Variant Classification Scheme 2023. Collection method: clinical testing. Allele origin: germline.

Genome-Nilou Lab
Classification: Likely benign for Adams-Oliver syndrome 5. Last evaluated: 2022-03-15. Review status: criteria provided, single submitter. Criteria: ACMG Guidelines, 2015. Collection method: clinical testing. Allele origin: germline. Affected: no.

Genome-Nilou Lab
Classification: Likely benign for Aortic valve disease 1. Last evaluated: 2022-03-15. Review status: criteria provided, single submitter. Criteria: ACMG Guidelines, 2015. Collection method: clinical testing. Allele origin: germline. Affected: no.

Labcorp Genetics (formerly Invitae), Labcorp
Classification: Likely benign for Adams-Oliver syndrome 5. Last evaluated: 2021-06-13. Review status: criteria provided, single submitter. Criteria: Invitae Variant Classification Sherloc (09022015). Collection method: clinical testing. Allele origin: germline.

GeneDx
Classification: Likely benign. Last evaluated: 2016-10-12. Review status: criteria provided, single submitter. Criteria: GeneDx Variant Classification (06012015). Collection method: clinical testing. Allele origin: germline. Affected: yes.
Comment: This variant is considered likely benign or benign based on one or more of the following criteria: it is a conservative change, it occurs at a poorly conserved position in the protein, it is predicted to be benign by multiple in silico algorithms, and/or has population frequency not consistent with disease.

NM_017617.5(NOTCH1):c.4560C>T (p.Asp1520=)

Gene: NOTCH1 (notch receptor 1; minus strand). Cytogenetic location: 9q34.3.
Variant type: single nucleotide variant.
Coding change: c.4560C>T on transcript NM_017617.5 (MANE Select); coding-DNA position 4560, C replaced by T.
Protein change: p.Asp1520=; no amino-acid change (aspartic acid 1520 retained).
Molecular consequence: synonymous variant.
Genome position (GRCh38, 1-based): chr9:136,505,336, G>A on the plus strand (C>T on the coding strand, the complement: NOTCH1 is on the minus strand). VCF-style: chr9-136505336-G-A. GRCh37 (hg19) VCF-style: chr9-139399788-G-A.
Other names: c.4560C>T, p.Asp1520= (LRG_1122t1).
Identifiers: ClinVar variation 389904 (VCV000389904.10), dbSNP rs1057523575, ClinGen allele CA16605645.